The following is an entry in ClinVar:

ClinVar aggregate classification (germline): Conflicting classifications of pathogenicity. Review status: criteria provided, conflicting classifications (1 of 4 stars). 2 submissions from 2 submitters: Uncertain significance (1); Likely benign (1). Last evaluated 2025-10-07.

Conditions:
Inborn genetic diseases. Identifiers: MedGen C0950123, MeSH D030342.
Epidermodysplasia verruciformis. Identifiers: Orphanet 302, MedGen C0014522, MONDO:0009176.

Submissions (2):

Labcorp Genetics (formerly Invitae), Labcorp
Classification: Uncertain significance for Epidermodysplasia verruciformis. Last evaluated: 2025-10-07. Review status: criteria provided, single submitter. Criteria: Invitae Variant Classification Sherloc (09022015). Collection method: clinical testing. Allele origin: germline.
Comment: This sequence change replaces valine, which is neutral and non-polar, with isoleucine, which is neutral and non-polar, at codon 651 of the TMC6 protein (p.Val651Ile). The frequency data for this variant in the population databases is considered unreliable, as metrics indicate poor data quality at this position in the gnomAD database. This variant has not been reported in the literature in individuals affected with TMC6-related conditions. ClinVar contains an entry for this variant (Variation ID: 3969645). An algorithm developed to predict the effect of missense changes on protein structure and function outputs the following: PolyPhen-2: "Benign". The isoleucine amino acid residue is found in multiple mammalian species, which suggests that this missense change does not adversely affect protein function. In summary, the available evidence is currently insufficient to determine the role of this variant in disease. Therefore, it has been classified as a Variant of Uncertain Significance.

Ambry Genetics
Classification: Likely benign for Inborn genetic diseases. Last evaluated: 2025-05-01. Review status: criteria provided, single submitter. Criteria: Ambry Variant Classification Scheme 2023. Collection method: clinical testing. Allele origin: germline.

NM_001127198.5(TMC6):c.1951G>A (p.Val651Ile)

Gene: TMC6 (transmembrane channel like 6; minus strand). Cytogenetic location: 17q25.3.
Variant type: single nucleotide variant.
Coding change: c.1951G>A on transcript NM_001127198.5 (MANE Select); coding-DNA position 1951, G replaced by A.
Protein change: p.Val651Ile; replaces valine 651 with isoleucine.
Molecular consequence: missense variant. On other transcripts: non-coding transcript variant (4).
Genome position (GRCh38, 1-based): chr17:78,117,872, C>T on the plus strand (G>A on the coding strand, the complement: TMC6 is on the minus strand). VCF-style: chr17-78117872-C-T. GRCh37 (hg19) VCF-style: chr17-76113953-C-T.
Other names: c.1951G>A, p.Val651Ile (NM_001321185.1, NM_001374596.1, NM_001375353.1 and 2 more transcripts); c.1771G>A, p.Val591Ile (NM_001374593.1, NM_001374594.1); short protein forms V651I, V591I.
Identifiers: ClinVar variation 3969645 (VCV003969645.2).